The following is an entry in ClinVar:

NM_006129.5(BMP1):c.1489G>A (p.Asp497Asn)

Genes: BMP1 (bone morphogenetic protein 1; plus strand), LOC113788269 (BRD4-independent group 4 enhancer GRCh37_chr8:22052064-22053263; plus strand). Cytogenetic location: 8p21.3.
Variant type: single nucleotide variant.
Coding change: c.1489G>A on transcript NM_006129.5 (MANE Select); coding-DNA position 1489, G replaced by A.
Protein change: p.Asp497Asn; replaces aspartic acid 497 with asparagine.
Molecular consequence: missense variant. On other transcripts: non-coding transcript variant (2).
Genome position (GRCh38, 1-based): chr8:22,194,769, G>A. VCF-style: chr8-22194769-G-A. GRCh37 (hg19) VCF-style: chr8-22052282-G-A.
Other names: c.1489G>A (NM_006129.4); c.1489G>A, p.Asp497Asn (NM_001199.4); short protein forms D497N.
Identifiers: ClinVar variation 1412568 (VCV001412568.9), dbSNP rs146182213, ClinGen allele CA4664694.

ClinVar aggregate classification (germline): Uncertain significance. Review status: criteria provided, multiple submitters, no conflicts (2 of 4 stars). 3 submissions from 3 submitters: Uncertain significance (3). Last evaluated 2025-08-30.

Conditions:
BMP1-related disorder. Also called: BMP1-related condition.
Inborn genetic diseases. Identifiers: MedGen C0950123, MeSH D030342.

Allele frequency attached by ClinVar (database versions not stated): gnomAD exomes 0.00008; ExAC 0.00009; gnomAD 0.00011 and 0.00015; TOPMed 0.00012; 1000 Genomes Project 30x 0.00016; 1000 Genomes Project 0.00020; ESP Exome Variant Server 0.00023.
gnomAD v4.1: 286 of 1,613,438 alleles (0.018%); highest among the groups gnomAD compares: East Asian, 0.033%; no homozygotes.

Submissions (3):

Ambry Genetics
Classification: Uncertain significance for Inborn genetic diseases. Last evaluated: 2025-08-30. Review status: criteria provided, single submitter. Criteria: Ambry Variant Classification Scheme 2023. Collection method: clinical testing. Allele origin: germline.

PreventionGenetics, part of Exact Sciences
Classification: Uncertain significance for BMP1-related condition. Last evaluated: 2025-04-10. Review status: criteria provided, single submitter. Criteria: ACMG Guidelines, 2015. Collection method: clinical testing. Allele origin: germline.
Comment: The BMP1 c.1489G>A variant is predicted to result in the amino acid substitution p.Asp497Asn. To our knowledge, this variant has not been reported in the literature. This variant is reported in 0.035% of alleles in individuals of East Asian descent in gnomAD. At this time, the clinical significance of this variant is uncertain due to the absence of conclusive functional and genetic evidence.

Labcorp Genetics (formerly Invitae), Labcorp
Classification: Uncertain significance. Last evaluated: 2022-03-22. Review status: criteria provided, single submitter. Criteria: Invitae Variant Classification Sherloc (09022015). Collection method: clinical testing. Allele origin: germline.
Comment: This sequence change replaces aspartic acid, which is acidic and polar, with asparagine, which is neutral and polar, at codon 497 of the BMP1 protein (p.Asp497Asn). This variant is present in population databases (rs146182213, gnomAD 0.04%). This variant has not been reported in the literature in individuals affected with BMP1-related conditions. Algorithms developed to predict the effect of missense changes on protein structure and function are either unavailable or do not agree on the potential impact of this missense change (SIFT: "Deleterious"; PolyPhen-2: "Probably Damaging"; Align-GVGD: "Class C15"). In summary, the available evidence is currently insufficient to determine the role of this variant in disease. Therefore, it has been classified as a Variant of Uncertain Significance.